The following is an entry in ClinVar:

ClinVar aggregate classification (germline): Uncertain significance (1 of 4 stars; one submission).

Submission:

GeneDx
Classification: Uncertain significance. Last evaluated: 2023-09-26. Review status: criteria provided, single submitter. Criteria: GeneDx Variant Classification Process June 2021. Collection method: clinical testing. Allele origin: germline. Affected: yes.
Comment: Not observed in large population cohorts (gnomAD); In silico analysis, which includes protein predictors and evolutionary conservation, supports that this variant does not alter protein structure/function; Has not been previously published as pathogenic or benign to our knowledge

NM_001378418.1(TCF20):c.5213C>T (p.Pro1738Leu)

Gene: TCF20 (transcription factor 20; minus strand). Cytogenetic location: 22q13.2.
Variant type: single nucleotide variant.
Coding change: c.5213C>T on transcript NM_001378418.1 (MANE Select); coding-DNA position 5213, C replaced by T.
Protein change: p.Pro1738Leu; replaces proline 1738 with leucine.
Molecular consequence: missense variant.
Genome position (GRCh38, 1-based): chr22:42,210,093, G>A on the plus strand (C>T on the coding strand, the complement: TCF20 is on the minus strand). VCF-style: chr22-42210093-G-A. GRCh37 (hg19) VCF-style: chr22-42606099-G-A.
Other names: c.5213C>T, p.Pro1738Leu (NM_005650.4, NM_181492.3); short protein forms P1738L.
Identifiers: ClinVar variation 1311021 (VCV001311021.4), dbSNP rs2147195889, ClinGen allele CA411782177.